The following is an entry in ClinVar:

NM_000261.2(MYOC):c.976G>C (p.Gly326Arg)

Gene: MYOC (myocilin; minus strand). Cytogenetic location: 1q24.3.
Variant type: single nucleotide variant.
Coding change: c.976G>C on transcript NM_000261.2 (MANE Select); coding-DNA position 976, G replaced by C.
Protein change: p.Gly326Arg; replaces glycine 326 with arginine.
Molecular consequence: missense variant.
Genome position (GRCh38, 1-based): chr1:171,636,464, C>G on the plus strand (G>C on the coding strand, the complement: MYOC is on the minus strand). VCF-style: chr1-171636464-C-G. GRCh37 (hg19) VCF-style: chr1-171605604-C-G.
Other names: NM_000261.2:c.976G>C; short protein forms G326R.
Identifiers: ClinVar variation 1342198 (VCV001342198.6), dbSNP rs1447891498, ClinGen allele CA343725268.
Genomic context (GRCh38, chr1:171,636,464, plus strand): 5'-TTATGACAGTTCTGGACTCAGCGCCCTGGAAATAGAGGCTCCCCGAGTACACCACAGCAC[C>G]CGTGCTTTCCAGTGGCCTAGGCAGTATGTGAACCTTAGAAGGGTAGCCCTGCATAAACTG-3'
Protein context (NP_000252.1, residues 316-336): HILPRPLEST[Gly326Arg]AVVYSGSLYF

ClinVar aggregate classification (germline): Likely pathogenic (3 of 4 stars; one submission).

Conditions:
Open-angle glaucoma. Identifiers: MedGen C0017612, MONDO:0005338, HP:0012108.

Submission:

ClinGen Glaucoma Variant Curation Expert Panel
Classification: Likely pathogenic for Open-angle glaucoma. Last evaluated: 2025-11-12. Review status: reviewed by expert panel. Criteria: ClinGen Glaucoma ACMG Specifications V2.0.0 Approved. Collection method: curation. Allele origin: germline. Inheritance: Autosomal dominant inheritance.
Comment: The c.976G>C variant in MYOC is a missense variant predicted to cause substitution of Glycine by Arginine at amino acid 326 (p.Gly326Arg). This variant was not found in any genetic ancestry group of gnomAD (v4.1.0), meeting the ≤ 0.0001 threshold set for PM2_Supporting in a genetic ancestry group of at least 10,000 alleles. The REVEL score = 0.948, which met the ≥ 0.932 threshold for PP3_Strong, predicting a damaging effect on MYOC function. The Gly326Arg protein had reduced secretion levels compared to wild type myocilin protein in this study (PMID: 16466712). The assay met the OddsPath threshold for PS3_Moderate (> 4.3), indicating that this variant did impact protein function. 14 segregations in 1 family, with juvenile or primary open angle glaucoma (JOAG or POAG), have been reported (Sarfarazi et al, Invest Ophthalmol Vis Sci 2000; 41:S822), which fulfilled PP1_Moderate (≥5 meioses in ≥1 family, but not the ≥7 meioses in >1 family for the strong criterion). Only 1 proband with JOAG had been reported (from the family), not meeting the ≥ 2 probands threshold required to meet PS4_Supporting. In summary, this variant met the criteria to receive a score of 9 and to be classified as likely pathogenic (likely pathogenic classification range 6 to 9, adapted from PMID: 32720330) for juvenile open angle glaucoma based on the ACMG/AMP criteria met, as specified by the ClinGen Glaucoma VCEP (v2.0.0, 5 Dec 2024): PP3_Strong, PS3_Moderate, PP1_Moderate, PM2_Supporting.